The following is an entry in ClinVar:

NM_020693.4(DSCAML1):c.494C>T (p.Thr165Ile)

Gene: DSCAML1 (DS cell adhesion molecule like 1; minus strand). Cytogenetic location: 11q23.3.
Variant type: single nucleotide variant.
Coding change: c.494C>T on transcript NM_020693.4 (MANE Select); coding-DNA position 494, C replaced by T.
Protein change: p.Thr165Ile; replaces threonine 165 with isoleucine.
Molecular consequence: missense variant.
Genome position (GRCh38, 1-based): chr11:117,776,808, G>A on the plus strand (C>T on the coding strand, the complement: DSCAML1 is on the minus strand). VCF-style: chr11-117776808-G-A. GRCh37 (hg19) VCF-style: chr11-117647523-G-A.
Other names: c.494C>T, p.Thr165Ile (NM_001367904.1); c.86C>T, p.Thr29Ile (NM_001367905.1); short protein forms T165I, T29I.
Identifiers: ClinVar variation 1421813 (VCV001421813.6), dbSNP rs2134045929, ClinGen allele CA382758212.

ClinVar aggregate classification (germline): Uncertain significance (1 of 4 stars; one submission).

Submission:

Labcorp Genetics (formerly Invitae), Labcorp
Classification: Uncertain significance. Last evaluated: 2022-08-16. Review status: criteria provided, single submitter. Criteria: Invitae Variant Classification Sherloc (09022015). Collection method: clinical testing. Allele origin: germline.
Comment: In summary, the available evidence is currently insufficient to determine the role of this variant in disease. Therefore, it has been classified as a Variant of Uncertain Significance. Algorithms developed to predict the effect of missense changes on protein structure and function are either unavailable or do not agree on the potential impact of this missense change (SIFT: "Tolerated"; PolyPhen-2: "Possibly Damaging"; Align-GVGD: "Class C0"). ClinVar contains an entry for this variant (Variation ID: 1421813). This variant has not been reported in the literature in individuals affected with DSCAML1-related conditions. This variant is not present in population databases (gnomAD no frequency). This sequence change replaces threonine, which is neutral and polar, with isoleucine, which is neutral and non-polar, at codon 225 of the DSCAML1 protein (p.Thr225Ile).